The following is an entry in ClinVar:

ClinVar aggregate classification (germline): Uncertain significance (1 of 4 stars; one submission).

Submission:

GeneDx
Classification: Uncertain significance. Last evaluated: 2024-12-05. Review status: criteria provided, single submitter. Criteria: GeneDx Variant Classification Process June 2021. Collection method: clinical testing. Allele origin: germline. Affected: yes.
Comment: Not observed at significant frequency in large population cohorts (gnomAD); In silico analysis supports that this missense variant has a deleterious effect on protein structure/function; Has not been previously published as pathogenic or benign to our knowledge

NM_000545.8(HNF1A):c.356T>G (p.Val119Gly)

Gene: HNF1A (HNF1 homeobox A; plus strand). Cytogenetic location: 12q24.31.
Variant type: single nucleotide variant.
Coding change: c.356T>G on transcript NM_000545.8 (MANE Select); coding-DNA position 356, T replaced by G.
Protein change: p.Val119Gly; replaces valine 119 with glycine.
Molecular consequence: missense variant.
Genome position (GRCh38, 1-based): chr12:120,988,862, T>G. VCF-style: chr12-120988862-T-G. GRCh37 (hg19) VCF-style: chr12-121426665-T-G.
Other names: c.356T>G, p.Val119Gly (NM_001306179.2, NM_001406915.1); short protein forms V119G.
Identifiers: ClinVar variation 3901323 (VCV003901323.1).